The following is an entry in ClinVar:

ClinVar aggregate classification (germline): Uncertain significance (1 of 4 stars; one submission).

Conditions:
Renal cell carcinoma. Identifiers: Orphanet 217071, MedGen C0007134, MeSH D002292, MONDO:0005086, HP:0005584.

Allele frequency attached by ClinVar (database versions not stated): gnomAD exomes below 0.00001.
gnomAD v4.1: 1 of 1,614,198 alleles (0.000062%); highest among the groups gnomAD compares: Non-Finnish European, 0.000085%; no homozygotes.

Submission:

Labcorp Genetics (formerly Invitae), Labcorp
Classification: Uncertain significance for Renal cell carcinoma. Last evaluated: 2021-10-09. Review status: criteria provided, single submitter. Criteria: Invitae Variant Classification Sherloc (09022015). Collection method: clinical testing. Allele origin: germline.
Comment: In summary, the available evidence is currently insufficient to determine the role of this variant in disease. Therefore, it has been classified as a Variant of Uncertain Significance. Algorithms developed to predict the effect of missense changes on protein structure and function output the following: SIFT: "Tolerated"; PolyPhen-2: "Benign"; Align-GVGD: "Class C0". The threonine amino acid residue is found in multiple mammalian species, which suggests that this missense change does not adversely affect protein function. This variant has not been reported in the literature in individuals affected with MET-related conditions. This variant is not present in population databases (ExAC no frequency). This sequence change replaces serine with threonine at codon 1347 of the MET protein (p.Ser1347Thr). The serine residue is moderately conserved and there is a small physicochemical difference between serine and threonine.

NM_000245.4(MET):c.3985T>A (p.Ser1329Thr)

Gene: MET (MET proto-oncogene, receptor tyrosine kinase; plus strand). Cytogenetic location: 7q31.2.
Variant type: single nucleotide variant.
Coding change: c.3985T>A on transcript NM_000245.4 (MANE Select); coding-DNA position 3985, T replaced by A.
Protein change: p.Ser1329Thr; replaces serine 1329 with threonine.
Molecular consequence: missense variant.
Genome position (GRCh38, 1-based): chr7:116,795,936, T>A. VCF-style: chr7-116795936-T-A. GRCh37 (hg19) VCF-style: chr7-116435990-T-A.
Other names: c.4039T>A, p.Ser1347Thr (NM_001127500.3); c.2695T>A, p.Ser899Thr (NM_001324402.2); short protein forms S1347T, S1329T, S899T.
Identifiers: ClinVar variation 1419866 (VCV001419866.6), dbSNP rs2117111134, ClinGen allele CA369118155.